The following is an entry in ClinVar:

ClinVar aggregate classification (germline): Uncertain significance. Review status: criteria provided, single submitter (1 of 4 stars). 2 submissions from 1 submitter: Uncertain significance (2). Last evaluated 2022-08-10.

Conditions:
Familial thoracic aortic aneurysm and aortic dissection (TAAD). Also called: Thoracic aortic aneurysms and dissections. Identifiers: Orphanet 91387, MedGen C4707243, MONDO:0019625.
Congenital disorder of glycosylation, type Ii. Also called: ALG2-congenital disorder of glycosylation; CDG Ii; ALG2-CDG. Identifiers: Orphanet 79326, MedGen C1842836, MONDO:0011933, OMIM 607906.
Congenital myasthenic syndrome 14. Also called: Myasthenic syndrome, congenital, 14, with tubular aggregates. Identifiers: Orphanet 353327, Orphanet 590, MedGen C4015597, MONDO:0014543, OMIM 616228.

Submissions (2):

Labcorp Genetics (formerly Invitae), Labcorp
Classification: Uncertain significance for Familial thoracic aortic aneurysm and aortic dissection. Last evaluated: 2022-08-10. Review status: criteria provided, single submitter. Criteria: Invitae Variant Classification Sherloc (09022015). Collection method: clinical testing. Allele origin: germline.
Comment: In summary, the available evidence is currently insufficient to determine the role of this variant in disease. Therefore, it has been classified as a Variant of Uncertain Significance. Isolated whole-gene copy number gains of TGFBR1 have not been reported in the literature. However, larger copy number events that include this gene have been reported (PMID: 20813212). A copy number gain of the genomic region encompassing the full coding sequence of the TGFBR1 gene has been identified. The boundaries of this event are unknown as they extend beyond the assayed region for this gene and therefore may encompass additional genes. As the precise location of this event is unknown, it may be in tandem or it may be located elsewhere in the genome.

Labcorp Genetics (formerly Invitae), Labcorp
Classification: Uncertain significance for Congenital disorder of glycosylation, type Ii; Congenital myasthenic syndrome 14. Last evaluated: 2022-06-22. Review status: criteria provided, single submitter. Criteria: Invitae Variant Classification Sherloc (09022015). Collection method: clinical testing. Allele origin: germline.
Comment: This variant has not been reported in the literature in individuals affected with ALG2-related conditions. In summary, the available evidence is currently insufficient to determine the role of this variant in disease. Therefore, it has been classified as a Variant of Uncertain Significance. A copy number gain of the genomic region encompassing the full coding sequence of the ALG2 gene has been identified. The boundaries of this event are unknown as they extend beyond the assayed region for this gene and therefore may encompass additional genes. As the precise location of this event is unknown, it may be in tandem or it may be located elsewhere in the genome.

Literature cited by the submitters: PubMed 20813212.

NC_000009.11:g.(?_100190748)_(103062956_?)dup

Genes: ALG2 (ALG2 alpha-1,3/1,6-mannosyltransferase; minus strand), ANKS6 (ankyrin repeat and sterile alpha motif domain containing 6; minus strand), ANP32B (acidic nuclear phosphoprotein 32 family member B; plus strand), COL15A1 (collagen type XV alpha 1 chain; plus strand), CORO2A (coronin 2A; minus strand) and 19 more. Cytogenetic location: 9q22.33-31.1.
Variant type: Duplication.
Identifiers: ClinVar variation 2425182 (VCV002425182.5).